The following is an entry in ClinVar:

NM_000718.4(CACNA1B):c.5700del (p.Gln1901fs)

Gene: CACNA1B (calcium voltage-gated channel subunit alpha1 B; plus strand). Cytogenetic location: 9q34.3.
Variant type: Deletion.
Coding change: c.5700del on transcript NM_000718.4 (MANE Select); coding-DNA position 5700, one base deleted (A; older notation c.5700delA).
Protein change: p.Gln1901fs; shifts the reading frame from glutamine 1901.
Molecular consequence: frameshift variant.
Genome position (GRCh38, 1-based): chr9:138,115,602, A deleted. VCF-style (leftmost placement, unchanged base first): chr9-138115601-CA-C. GRCh37 (hg19) VCF-style: chr9-141010053-CA-C.
Other names: c.5700del, p.Gln1901fs (NM_001243812.2); short protein forms Q1901fs.
Identifiers: ClinVar variation 1969537 (VCV001969537.7), dbSNP rs778439899, ClinGen allele CA5377458.

ClinVar aggregate classification (germline): Pathogenic/Likely pathogenic. Review status: criteria provided, multiple submitters, no conflicts (2 of 4 stars). 3 submissions from 3 submitters: Pathogenic (1); Likely pathogenic (2). Last evaluated 2025-09-16.

Conditions:
Neurodevelopmental disorder with seizures and nonepileptic hyperkinetic movements. Identifiers: MedGen C5193128, MONDO:0032784, OMIM 618497.

Allele frequency attached by ClinVar (database versions not stated): ExAC 0.00001; gnomAD exomes below 0.00001.

Submissions (3):

First Genomix Gene Laboratory, Genetic Diagnostics Department
Classification: Likely pathogenic for Neurodevelopmental disorder with seizures and nonepileptic hyperkinetic movements. Last evaluated: 2025-09-16. Review status: criteria provided, single submitter. Criteria: ACMG Guidelines, 2015. Collection method: clinical testing. Allele origin: germline. Inheritance: Autosomal recessive inheritance. Affected: no. Observed: 1 variant allele.

Neuberg Centre For Genomic Medicine, NCGM
Classification: Likely pathogenic for Neurodevelopmental disorder with seizures and nonepileptic hyperkinetic movements. Last evaluated: 2023-02-14. Review status: criteria provided, single submitter. Criteria: ACMG Guidelines, 2015. Collection method: clinical testing. Allele origin: germline. Inheritance: Autosomal recessive inheritance. Affected: yes.
Comment: The frameshift c.5700del(p.Gln1901SerfsTer80) variant in CACNA1B gene has not been reported previously as a pathogenic variant nor as a benign variant, to our knowledge. The p.Gln1901SerfsTer80 variant is reported with an allele frequency of 0.0008% in the gnomAD exomes database and is novel (not in any individuals) in 1000 Genomes database. This variant has not been reported to the ClinVar database. This variant causes a frameshift starting with codon Glutamine 1901, changes this amino acid to Serine residue, and creates a premature Stop codon at position 80 of the new reading frame, denoted p.Gln1901SerfsTer80. This variant is predicted to cause loss of normal protein function through protein truncation. Loss of function variants have been previously reported to be disease causing. For these reasons, this variant has been classified as Likely Pathogenic.

Labcorp Genetics (formerly Invitae), Labcorp
Classification: Pathogenic. Last evaluated: 2022-01-20. Review status: criteria provided, single submitter. Criteria: Invitae Variant Classification Sherloc (09022015). Collection method: clinical testing. Allele origin: germline.
Comment: For these reasons, this variant has been classified as Pathogenic. This variant has not been reported in the literature in individuals affected with CACNA1B-related conditions. This variant is present in population databases (rs778439899, gnomAD 0.006%). This sequence change creates a premature translational stop signal (p.Gln1901Serfs*80) in the CACNA1B gene. It is expected to result in an absent or disrupted protein product. Loss-of-function variants in CACNA1B are known to be pathogenic (PMID: 30982612).

Literature cited by the submitters: PubMed 30982612 (cited by Labcorp Genetics (formerly Invitae), Labcorp).